The following is an entry in ClinVar:

ClinVar aggregate classification (germline): Uncertain significance (1 of 4 stars; one submission).

Conditions:
Renal cell carcinoma. Identifiers: Orphanet 217071, MedGen C0007134, MeSH D002292, MONDO:0005086, HP:0005584.

Submission:

Labcorp Genetics (formerly Invitae), Labcorp
Classification: Uncertain significance for Renal cell carcinoma. Last evaluated: 2019-06-20. Review status: criteria provided, single submitter. Criteria: Invitae Variant Classification Sherloc (09022015). Collection method: clinical testing. Allele origin: germline.
Comment: This sequence change has not been published in the literature and is not present in population databases. ClinVar contains an entry for this variant (Variation ID: 188147). This sequence change replaces histidine with arginine at codon 1106 of the MET protein (p.His1106Arg). The histidine residue is highly conserved and there is a small physicochemical difference between histidine and arginine. Algorithms developed to predict the effect of missense changes on protein structure and function do not agree on the potential impact of this missense change (SIFT: "deleterious"; PolyPhen-2: “possibly damaging”; Align-GVGD: "Class C0"). In summary, this is a rare missense change with uncertain impact on protein function. It has been classified as a Variant of Uncertain Significance.

NM_000245.4(MET):c.3263A>G (p.His1088Arg)

Gene: MET (MET proto-oncogene, receptor tyrosine kinase; plus strand). Cytogenetic location: 7q31.2.
Variant type: single nucleotide variant.
Coding change: c.3263A>G on transcript NM_000245.4 (MANE Select); coding-DNA position 3263, A replaced by G.
Protein change: p.His1088Arg; replaces histidine 1088 with arginine.
Molecular consequence: missense variant.
Genome position (GRCh38, 1-based): chr7:116,777,392, A>G. VCF-style: chr7-116777392-A-G. GRCh37 (hg19) VCF-style: chr7-116417446-A-G.
Other names: c.3317A>G (LRG_662t1); c.3317A>G, p.His1106Arg (NM_001127500.3); c.1973A>G, p.His658Arg (NM_001324402.2); short protein forms H1106R, H658R, H1088R.
Identifiers: ClinVar variation 188147 (VCV000188147.10), dbSNP rs786204102, ClinGen allele CA334162.